The following is an entry in ClinVar:

NM_015272.5(RPGRIP1L):c.2221C>T (p.Gln741Ter)

Gene: RPGRIP1L (RPGRIP1 like; minus strand). Cytogenetic location: 16q12.2.
Variant type: single nucleotide variant.
Coding change: c.2221C>T on transcript NM_015272.5 (MANE Select); coding-DNA position 2221, C replaced by T.
Protein change: p.Gln741Ter; replaces glutamine 741 with a stop codon.
Molecular consequence: nonsense.
Genome position (GRCh38, 1-based): chr16:53,649,047, G>A on the plus strand (C>T on the coding strand, the complement: RPGRIP1L is on the minus strand). VCF-style: chr16-53649047-G-A. GRCh37 (hg19) VCF-style: chr16-53682959-G-A.
Other names: c.2221C>T, p.Gln741Ter (NM_001127897.4, NM_001308334.3, NM_001330538.2); short protein forms Q741*.
Identifiers: ClinVar variation 2932426 (VCV002932426.3), dbSNP rs2544154546, ClinGen allele CA395915651.

ClinVar aggregate classification (germline): Pathogenic (1 of 4 stars; one submission).

Conditions:
Joubert syndrome. Also called: CEREBELLOPARENCHYMAL DISORDER IV; JOUBERT-BOLTSHAUSER SYNDROME; Familial aplasia of the vermis. Identifiers: Orphanet 475, MedGen C5979921, MONDO:0018772.
Meckel-Gruber syndrome. Also called: DYSENCEPHALIA SPLANCHNOCYSTICA; GRUBER SYNDROME; Dysencephalia splachnocystica. Identifiers: Orphanet 564, MedGen C0265215, MONDO:0018921.

Allele frequency attached by ClinVar (database versions not stated): gnomAD exomes below 0.00001.
gnomAD v4.1: 1 of 1,613,770 alleles (0.000062%); highest among the groups gnomAD compares: South Asian, 0.0011%; no homozygotes.

Submission:

Labcorp Genetics (formerly Invitae), Labcorp
Classification: Pathogenic for Joubert syndrome; Meckel-Gruber syndrome. Last evaluated: 2025-08-24. Review status: criteria provided, single submitter. Criteria: Invitae Variant Classification Sherloc (09022015). Collection method: clinical testing. Allele origin: germline.
Comment: This sequence change creates a premature translational stop signal (p.Gln741*) in the RPGRIP1L gene. It is expected to result in an absent or disrupted protein product. Loss-of-function variants in RPGRIP1L are known to be pathogenic (PMID: 17558409). This variant is not present in population databases (gnomAD no frequency). This variant has not been reported in the literature in individuals affected with RPGRIP1L-related conditions. ClinVar contains an entry for this variant (Variation ID: 2932426). For these reasons, this variant has been classified as Pathogenic.

Literature cited by the submitters: PubMed 17558409.